The following is an entry in ClinVar:

NM_015631.6(TCTN3):c.1253A>G (p.His418Arg)

Gene: TCTN3 (tectonic family member 3; minus strand). Cytogenetic location: 10q24.1.
Variant type: single nucleotide variant.
Coding change: c.1253A>G on transcript NM_015631.6 (MANE Select); coding-DNA position 1253, A replaced by G.
Protein change: p.His418Arg; replaces histidine 418 with arginine.
Molecular consequence: missense variant.
Genome position (GRCh38, 1-based): chr10:95,683,146, T>C on the plus strand (A>G on the coding strand, the complement: TCTN3 is on the minus strand). VCF-style: chr10-95683146-T-C. GRCh37 (hg19) VCF-style: chr10-97442903-T-C.
Other names: c.1307A>G, p.His436Arg (NM_001013840.1); c.809A>G, p.His270Arg (NM_001143973.2); c.1157A>G, p.His386Arg (NM_001410982.1); short protein forms H270R, H418R, H436R, H386R.
Identifiers: ClinVar variation 1905693 (VCV001905693.5), dbSNP rs780440917, ClinGen allele CA5620891.

ClinVar aggregate classification (germline): Conflicting classifications of pathogenicity. Review status: criteria provided, conflicting classifications (1 of 4 stars). 2 submissions from 2 submitters: Uncertain significance (1); Likely benign (1). Last evaluated 2026-07-01.

Conditions:
Joubert syndrome 18 (JBTS18). Identifiers: Orphanet 2754, MedGen C3553758, MONDO:0013896, OMIM 614815.
Orofacial-digital syndrome IV (OFD4). Also called: MOHR-MAJEWSKI SYNDROME; BARAITSER-BURN SYNDROME; OFD SYNDROME WITH TIBIAL DEFECTS; OFD SYNDROME, BARAITSER-BURN TYPE; OFDS IV; ORAL-FACIAL-DIGITAL SYNDROME, TYPE IV. Identifiers: Orphanet 2753, MedGen C0406727, MONDO:0009794, OMIM 258860.

Allele frequency attached by ClinVar (database versions not stated): gnomAD exomes below 0.00001; ExAC 0.00001; TOPMed 0.00001.
gnomAD v4.1: 6 of 1,614,180 alleles (0.00037%); highest among the groups gnomAD compares: Admixed American, 0.0033%; no homozygotes.

Submissions (2):

CeGaT Center for Human Genetics Tuebingen
Classification: Likely benign. Last evaluated: 2026-07-01. Review status: criteria provided, single submitter. Criteria: CeGaT Center For Human Genetics Tuebingen Variant Classification Criteria Version 2. Collection method: clinical testing. Allele origin: germline. Affected: yes. Observed: 1 variant allele.
Comment: TCTN3: BP4

Labcorp Genetics (formerly Invitae), Labcorp
Classification: Uncertain significance for Joubert syndrome 18; Orofacial-digital syndrome IV. Last evaluated: 2022-06-23. Review status: criteria provided, single submitter. Criteria: Invitae Variant Classification Sherloc (09022015). Collection method: clinical testing. Allele origin: germline.
Comment: This sequence change replaces histidine, which is basic and polar, with arginine, which is basic and polar, at codon 418 of the TCTN3 protein (p.His418Arg). This variant is present in population databases (rs780440917, gnomAD 0.006%). This variant has not been reported in the literature in individuals affected with TCTN3-related conditions. Algorithms developed to predict the effect of missense changes on protein structure and function output the following: SIFT: "Tolerated"; PolyPhen-2: "Benign"; Align-GVGD: "Class C0". The arginine amino acid residue is found in multiple mammalian species, which suggests that this missense change does not adversely affect protein function. In summary, the available evidence is currently insufficient to determine the role of this variant in disease. Therefore, it has been classified as a Variant of Uncertain Significance.